The following is an entry in ClinVar:

NM_000492.4(CFTR):c.3139+3A>G

Genes: CFTR (CF transmembrane conductance regulator; plus strand), CFTR-AS2 (CFTR antisense RNA 2; minus strand), LOC111674472 (DNase I hypersensitive sites in introns 16 and 17a of CFTR; plus strand). Cytogenetic location: 7q31.2.
Variant type: single nucleotide variant.
Coding change: c.3139+3A>G on transcript NM_000492.4 (MANE Select); 3 bases into the intron after coding-DNA position 3139, A replaced by G.
Molecular consequence: intron variant.
Genome position (GRCh38, 1-based): chr7:117,610,672, A>G. VCF-style: chr7-117610672-A-G. GRCh37 (hg19) VCF-style: chr7-117250726-A-G.
Identifiers: ClinVar variation 550595 (VCV000550595.18), dbSNP rs950336425, ClinGen allele CA164965463.

ClinVar aggregate classification (germline): Uncertain significance. Review status: criteria provided, multiple submitters, no conflicts (2 of 4 stars). 6 submissions from 6 submitters: Uncertain significance (4). 2 of the submissions do not count toward it. Last evaluated 2026-03-16.

Conditions:
CFTR-related disorder (CFTR-RD). Also called: CFTR-related disorders; CFTR-related condition. Identifiers: MedGen C5924204, MONDO:7770004.
Cystic fibrosis (CF). Also called: MUCOVISCIDOSIS. Identifiers: Orphanet 586, MedGen C0010674, MONDO:0009061, OMIM 219700. Disease mechanism: loss of function.

Allele frequency attached by ClinVar (database versions not stated): gnomAD exomes below 0.00001; gnomAD 0.00001.
gnomAD v4.1: 5 of 1,613,202 alleles (0.00031%); highest among the groups gnomAD compares: Admixed American, 0.0017%; no homozygotes.

Submissions (6):

Women's Health and Genetics/Laboratory Corporation of America, LabCorp
Classification: Uncertain significance. Last evaluated: 2026-03-16. Review status: criteria provided, single submitter. Criteria: LabCorp Variant Classification Summary - May 2015. Collection method: clinical testing. Allele origin: germline.
Comment: Variant summary: CFTR c.3139+3A>G alters a conserved nucleotide located close to a canonical splice site and therefore could affect mRNA splicing, leading to a significantly altered protein sequence. Several computational tools predict a significant impact on normal splicing: Three predict the variant weakens a canonical 5' donor site and one predicts the variant has no significant impact on splicing. However, these predictions have yet to be confirmed by functional studies. The variant was absent in 250706 control chromosomes. The available data on variant occurrences in the general population are insufficient to allow any conclusion about variant significance. c.3139+3A>G has been observed in individuals affected with pancreatitis (example: Audrezet_2008, Masson_2013). These reports do not provide unequivocal conclusions about association of the variant with Cystic Fibrosis. To our knowledge, no experimental evidence demonstrating an impact on protein function has been reported. The following publications have been ascertained in the context of this evaluation (PMID: 18687795, 23951356). ClinVar contains an entry for this variant (Variation ID: 550595). Based on the evidence outlined above, the variant was classified as uncertain significance.

Labcorp Genetics (formerly Invitae), Labcorp
Classification: Uncertain significance for Cystic fibrosis. Last evaluated: 2025-07-21. Review status: criteria provided, single submitter. Criteria: Invitae Variant Classification Sherloc (09022015). Collection method: clinical testing. Allele origin: germline.
Comment: This sequence change falls in intron 19 of the CFTR gene. It does not directly change the encoded amino acid sequence of the CFTR protein. It affects a nucleotide within the consensus splice site. This variant is present in population databases (no rsID available, gnomAD no frequency). This variant has been observed in individual(s) with pancreatitis (PMID: 18687795, 23951356). ClinVar contains an entry for this variant (Variation ID: 550595). Variants that disrupt the consensus splice site are a relatively common cause of aberrant splicing (PMID: 17576681, 9536098). Algorithms developed to predict the effect of sequence changes on RNA splicing suggest that this variant may disrupt the consensus splice site. In summary, the available evidence is currently insufficient to determine the role of this variant in disease. Therefore, it has been classified as a Variant of Uncertain Significance.

PreventionGenetics, part of Exact Sciences
Classification: Uncertain significance for CFTR-related condition. Last evaluated: 2025-02-27. Review status: criteria provided, single submitter. Criteria: ACMG Guidelines, 2015. Collection method: clinical testing. Allele origin: germline.
Comment: The CFTR c.3139+3A>G variant is predicted to interfere with splicing. However, the use of a computer prediction software (SpliceAI, Jaganathan et al. 2019. PubMed ID: 30661751) is not equivalent to functional evidence. This variant, also known as c.3271+3A>G, has been reported in individuals with chronic pancreatitis, including an individual who was also homozygous for SPINK1 p.Asn34Ser which is a risk factor for pancreatitis (Audrezet et al. 2008. PubMed ID: 18687795; Table S1, Masson et al. 2013. PubMed ID: 23951356). This variant has not been reported in a large population database (gnomAD), indicating this variant is rare. At this time, the clinical significance of this variant is uncertain due to the absence of conclusive functional and genetic evidence.

Genome-Nilou Lab
Classification: Uncertain significance for Cystic fibrosis. Last evaluated: 2021-09-05. Review status: criteria provided, single submitter. Criteria: ACMG Guidelines, 2015. Collection method: clinical testing. Allele origin: germline. Affected: no.

Natera, Inc.
Classification: Uncertain significance for Cystic Fibrosis. Last evaluated: 2020-09-16. Review status: no assertion criteria provided. Collection method: clinical testing. Allele origin: germline. Not counted in ClinVar's aggregate classification.

Counsyl
Classification: Uncertain significance for Cystic fibrosis. Last evaluated: 2017-02-02. Review status: no assertion criteria provided. Collection method: clinical testing. Allele origin: unknown. Not counted in ClinVar's aggregate classification.

Literature cited by the submitters: PubMed 18687795 (cited by Women's Health and Genetics/Laboratory Corporation of America, LabCorp and Labcorp Genetics (formerly Invitae), Labcorp); PubMed 23951356 (cited by Women's Health and Genetics/Laboratory Corporation of America, LabCorp and Labcorp Genetics (formerly Invitae), Labcorp); PubMed 17576681 (cited by Labcorp Genetics (formerly Invitae), Labcorp); PubMed 9536098 (cited by Labcorp Genetics (formerly Invitae), Labcorp).